The following is an entry in ClinVar:

NM_002299.4(LCT):c.3199A>G (p.Met1067Val)

Gene: LCT (lactase; minus strand). Cytogenetic location: 2q21.3.
Variant type: single nucleotide variant.
Coding change: c.3199A>G on transcript NM_002299.4 (MANE Select); coding-DNA position 3199, A replaced by G.
Protein change: p.Met1067Val; replaces methionine 1067 with valine.
Molecular consequence: missense variant.
Genome position (GRCh38, 1-based): chr2:135,809,148, T>C on the plus strand (A>G on the coding strand, the complement: LCT is on the minus strand). VCF-style: chr2-135809148-T-C. GRCh37 (hg19) VCF-style: chr2-136566718-T-C.
Other names: short protein forms M1067V.
Identifiers: ClinVar variation 1393872 (VCV001393872.6), dbSNP rs2105533859, ClinGen allele CA348600328.

ClinVar aggregate classification (germline): Uncertain significance (1 of 4 stars; one submission).

Submission:

Labcorp Genetics (formerly Invitae), Labcorp
Classification: Uncertain significance. Last evaluated: 2021-05-08. Review status: criteria provided, single submitter. Criteria: Invitae Variant Classification Sherloc (09022015). Collection method: clinical testing. Allele origin: germline.
Comment: Algorithms developed to predict the effect of missense changes on protein structure and function are either unavailable or do not agree on the potential impact of this missense change (SIFT: "Not Available"; PolyPhen-2: "Benign"; Align-GVGD: "Not Available"). This variant has not been reported in the literature in individuals with LCT-related conditions. This variant is not present in population databases (ExAC no frequency). This sequence change replaces methionine with valine at codon 1067 of the LCT protein (p.Met1067Val). The methionine residue is weakly conserved and there is a small physicochemical difference between methionine and valine. In summary, the available evidence is currently insufficient to determine the role of this variant in disease. Therefore, it has been classified as a Variant of Uncertain Significance.